The following is an entry in ClinVar:

ClinVar aggregate classification (germline): Pathogenic (1 of 4 stars; one submission).

Submission:

GeneDx
Classification: Pathogenic. Last evaluated: 2026-03-03. Review status: criteria provided, single submitter. Criteria: GeneDx Variant Classification Process June 2021. Collection method: clinical testing. Allele origin: germline.
Comment: Identified in a patient from a cohort with atopic dermatitis in published literature (PMID: 19874431); Frameshift variant predicted to result in abnormal protein length as the last 3574 amino acid(s) are replaced with 48 different amino acid(s), and other similar variants have been reported in HGMD; Not observed at significant frequency in large population cohorts (gnomAD); This variant is associated with the following publications: (PMID: 16444271, 19874431)

NM_002016.2(FLG):c.1464del (p.Ser488fs)

Genes: CCDST (cervical cancer associated DHX9 suppressive transcript; plus strand), FLG (filaggrin; minus strand). Cytogenetic location: 1q21.3.
Variant type: Deletion.
Coding change: c.1464del on transcript NM_002016.2 (MANE Select); coding-DNA position 1464, one base deleted (C; older notation c.1464delC).
Protein change: p.Ser488fs; shifts the reading frame from serine 488.
Molecular consequence: frameshift variant.
Genome position (GRCh38, 1-based): chr1:152,313,422, G deleted on the plus strand (C on the coding strand, the reverse complement: FLG is on the minus strand). VCF-style (leftmost placement, unchanged base first): chr1-152313421-TG-T. GRCh37 (hg19) VCF-style: chr1-152285897-TG-T.
Other names: c.1464delC, p.Ser488Argfs (NM_002016.1); short protein forms S488fs.
Identifiers: ClinVar variation 4888019 (VCV004888019.1).